The following is an entry in ClinVar:

ClinVar aggregate classification (germline): Uncertain significance (1 of 4 stars; one submission).

Submission:

GeneDx
Classification: Uncertain significance. Last evaluated: 2024-12-21. Review status: criteria provided, single submitter. Criteria: GeneDx Variant Classification Process June 2021. Collection method: clinical testing. Allele origin: germline. Affected: yes.
Comment: Not observed at significant frequency in large population cohorts (gnomAD); In silico analysis supports that this missense variant has a deleterious effect on protein structure/function; Has not been previously published as pathogenic or benign to our knowledge

NM_015057.5(MYCBP2):c.10160C>A (p.Pro3387His)

Gene: MYCBP2 (MYC binding protein 2; minus strand). Cytogenetic location: 13q22.3.
Variant type: single nucleotide variant.
Coding change: c.10160C>A on transcript NM_015057.5 (MANE Select); coding-DNA position 10160, C replaced by A.
Protein change: p.Pro3387His; replaces proline 3387 with histidine.
Molecular consequence: missense variant.
Genome position (GRCh38, 1-based): chr13:77,095,397, G>T on the plus strand (C>A on the coding strand, the complement: MYCBP2 is on the minus strand). VCF-style: chr13-77095397-G-T. GRCh37 (hg19) VCF-style: chr13-77669532-G-T.
Other names: short protein forms P3387H.
Identifiers: ClinVar variation 3906405 (VCV003906405.1).